The following is an entry in ClinVar:

NM_001318852.2(MAPK8IP3):c.387C>T (p.Tyr129=)

Gene: MAPK8IP3 (mitogen-activated protein kinase 8 interacting protein 3; plus strand). Cytogenetic location: 16p13.3.
Variant type: single nucleotide variant.
Coding change: c.387C>T on transcript NM_001318852.2 (MANE Select); coding-DNA position 387, C replaced by T.
Protein change: p.Tyr129=; no amino-acid change (tyrosine 129 retained).
Molecular consequence: synonymous variant.
Genome position (GRCh38, 1-based): chr16:1,724,625, C>T. VCF-style: chr16-1724625-C-T. GRCh37 (hg19) VCF-style: chr16-1774626-C-T.
Other names: c.387C>T, p.Tyr129= (NM_001040439.2, NM_015133.5, NM_033392.3).
Identifiers: ClinVar variation 3056907 (VCV003056907.2), dbSNP rs35459652, ClinGen allele CA7816269.

ClinVar aggregate classification (germline): Benign (0 of 4 stars; one submission).

Conditions:
MAPK8IP3-related disorder. Also called: MAPK8IP3-related condition.

Allele frequency attached by ClinVar (database versions not stated): 1000 Genomes Project 30x 0.00781; 1000 Genomes Project 0.00839; TOPMed 0.01716; ESP Exome Variant Server 0.01808; gnomAD 0.01849; ExAC 0.02031; gnomAD exomes 0.02316.
gnomAD v4.1: 36,485 of 1,613,574 alleles (2.3%); highest among the groups gnomAD compares: Non-Finnish European, 2.6%; 502 homozygotes.

Submission:

PreventionGenetics, part of Exact Sciences
Classification: Benign for MAPK8IP3-related condition. Last evaluated: 2019-11-01. Review status: no assertion criteria provided. Collection method: clinical testing. Allele origin: germline.
Comment: This variant is classified as benign based on ACMG/AMP sequence variant interpretation guidelines (Richards et al. 2015 PMID: 25741868, with internal and published modifications).